The following is an entry in ClinVar:

NM_002354.3(EPCAM):c.*128A>G

Gene: EPCAM (epithelial cell adhesion molecule; plus strand). Cytogenetic location: 2p21.
Variant type: single nucleotide variant.
Coding change: c.*128A>G on transcript NM_002354.3 (MANE Select); 128 bases downstream of the stop codon, A replaced by G.
Molecular consequence: 3 prime UTR variant.
Genome position (GRCh38, 1-based): chr2:47,386,741, A>G. VCF-style: chr2-47386741-A-G. GRCh37 (hg19) VCF-style: chr2-47613880-A-G.
Identifiers: ClinVar variation 3055602 (VCV003055602.2), dbSNP rs1224707065, ClinGen allele CA532340700.

ClinVar aggregate classification (germline): Likely benign (0 of 4 stars; one submission).

Conditions:
EPCAM-related disorder. Also called: EPCAM-related condition.

Allele frequency attached by ClinVar (database versions not stated): gnomAD exomes below 0.00001; TOPMed below 0.00001; gnomAD 0.00001.
gnomAD v4.1: 3 of 727,298 alleles (0.00041%); highest among the groups gnomAD compares: Non-Finnish European, 0.00071%; no homozygotes.

Submission:

PreventionGenetics, part of Exact Sciences
Classification: Likely benign for EPCAM-related condition. Last evaluated: 2023-10-11. Review status: no assertion criteria provided. Collection method: clinical testing. Allele origin: germline.
Comment: This variant is classified as likely benign based on ACMG/AMP sequence variant interpretation guidelines (Richards et al. 2015 PMID: 25741868, with internal and published modifications).